The following is an entry in ClinVar:

NM_001202.6(BMP4):c.1058A>G (p.Asn353Ser)

Gene: BMP4 (bone morphogenetic protein 4; minus strand). Cytogenetic location: 14q22.2.
Variant type: single nucleotide variant.
Coding change: c.1058A>G on transcript NM_001202.6 (MANE Select); coding-DNA position 1058, A replaced by G.
Protein change: p.Asn353Ser; replaces asparagine 353 with serine.
Molecular consequence: missense variant.
Genome position (GRCh38, 1-based): chr14:53,950,201, T>C on the plus strand (A>G on the coding strand, the complement: BMP4 is on the minus strand). VCF-style: chr14-53950201-T-C. GRCh37 (hg19) VCF-style: chr14-54416919-T-C.
Other names: c.1199A>G, p.Asn400Ser (NM_001347912.1); c.869A>G, p.Asn290Ser (NM_001347913.2, NM_001347915.2, NM_001347917.1); c.1058A>G, p.Asn353Ser (NM_001347914.2, NM_001347916.1, NM_130850.5 and 1 more transcripts); short protein forms N290S, N353S, N400S.
Identifiers: ClinVar variation 4822872 (VCV004822872.4).

ClinVar aggregate classification (germline): Uncertain significance (1 of 4 stars; one submission).

gnomAD v4.1: 1 of 1,614,090 alleles (0.000062%); highest among the groups gnomAD compares: Non-Finnish European, 0.000085%; no homozygotes.

Submission:

CeGaT Center for Human Genetics Tuebingen
Classification: Uncertain significance. Last evaluated: 2026-01-01. Review status: criteria provided, single submitter. Criteria: CeGaT Center For Human Genetics Tuebingen Variant Classification Criteria Version 2. Collection method: clinical testing. Allele origin: germline. Affected: yes. Observed: 1 variant allele.
Comment: BMP4: PM2, PP2, PP3